The following is an entry in ClinVar:

NM_015474.4(SAMHD1):c.1584del (p.Ala529fs)

Gene: SAMHD1 (SAM and HD domain containing deoxynucleoside triphosphate triphosphohydrolase 1; minus strand). Cytogenetic location: 20q11.23.
Variant type: Deletion.
Coding change: c.1584del on transcript NM_015474.4 (MANE Select); coding-DNA position 1584, one base deleted (A; older notation c.1584delA).
Protein change: p.Ala529fs; shifts the reading frame from alanine 529.
Molecular consequence: frameshift variant. On other transcripts: intron variant (1).
Genome position (GRCh38, 1-based): chr20:36,898,464, T deleted on the plus strand (A on the coding strand, the reverse complement: SAMHD1 is on the minus strand). VCF-style (leftmost placement, unchanged base first): chr20-36898463-CT-C. GRCh37 (hg19) VCF-style: chr20-35526866-CT-C.
Other names: c.1584del (NM_015474.3); c.1584del, p.Ala529fs (NM_001363733.2); c.1504-505del (NM_001363729.2); short protein forms A529fs.
Identifiers: ClinVar variation 1454961 (VCV001454961.8), dbSNP rs2148355967, ClinGen allele CA2573157044.

ClinVar aggregate classification (germline): Pathogenic/Likely pathogenic. Review status: criteria provided, multiple submitters, no conflicts (2 of 4 stars). 2 submissions from 2 submitters: Pathogenic (1); Likely pathogenic (1). Last evaluated 2025-05-14.

Conditions:
Aicardi Goutieres syndrome (AGS). Also called: Encephalopathy, familial infantile, with calcification of basal ganglia and chronic cerebrospinal fluid lymphocytosis. Identifiers: Orphanet 51, MedGen C0393591, MONDO:0018866.
Aicardi-Goutieres syndrome 5. Identifiers: Orphanet 51, MedGen C2749659, MONDO:0013059, OMIM 612952.

Submissions (2):

Natera, Inc.
Classification: Likely pathogenic for Aicardi-Goutieres syndrome. Last evaluated: 2025-05-14. Review status: criteria provided, single submitter. Criteria: Natera Variant Classification Schema (03/2026). Collection method: clinical testing. Allele origin: germline.
Comment: The c.1584del variant in SAMHD1 is a frameshift variant predicted to shift the reading frame beginning at codon 529 and leads to a stop codon 21 codons downstream. This variant is expected to result in nonsense mediated decay, truncation, or a dysfunctional protein product. This variant is rare in the general population with a frequency below the threshold expected for the associated phenotype(s). Given the available evidence, this variant is classified as Likely Pathogenic.

Labcorp Genetics (formerly Invitae), Labcorp
Classification: Pathogenic for Aicardi-Goutieres syndrome 5. Last evaluated: 2024-08-13. Review status: criteria provided, single submitter. Criteria: Invitae Variant Classification Sherloc (09022015). Collection method: clinical testing. Allele origin: germline.
Comment: This sequence change creates a premature translational stop signal (p.Ala529Glnfs*21) in the SAMHD1 gene. It is expected to result in an absent or disrupted protein product. Loss-of-function variants in SAMHD1 are known to be pathogenic (PMID: 19525956, 22461318). This variant is not present in population databases (gnomAD no frequency). This variant has not been reported in the literature in individuals affected with SAMHD1-related conditions. ClinVar contains an entry for this variant (Variation ID: 1454961). For these reasons, this variant has been classified as Pathogenic.

Literature cited by the submitters: PubMed 19525956 (cited by Labcorp Genetics (formerly Invitae), Labcorp); PubMed 22461318 (cited by Labcorp Genetics (formerly Invitae), Labcorp).